The following is an entry in ClinVar:

NM_006659.4(TUBGCP2):c.1214+7C>T

Gene: TUBGCP2 (tubulin gamma complex component 2; minus strand). Cytogenetic location: 10q26.3.
Variant type: single nucleotide variant.
Coding change: c.1214+7C>T on transcript NM_006659.4 (MANE Select); 7 bases into the intron after coding-DNA position 1214, C replaced by T.
Molecular consequence: intron variant.
Genome position (GRCh38, 1-based): chr10:133,292,492, G>A on the plus strand (C>T on the coding strand, the complement: TUBGCP2 is on the minus strand). VCF-style: chr10-133292492-G-A. GRCh37 (hg19) VCF-style: chr10-135105996-G-A.
Other names: c.824+7C>T (NM_001256618.2); c.1298+7C>T (NM_001256617.2).
Identifiers: ClinVar variation 2641018 (VCV002641018.24), dbSNP rs201310809, ClinGen allele CA5764211.

ClinVar aggregate classification (germline): Likely benign (1 of 4 stars; one submission).

Allele frequency attached by ClinVar (database versions not stated): gnomAD 0.00005; ESP Exome Variant Server 0.00046.
gnomAD v4.1: 84 of 1,608,266 alleles (0.0052%); highest among the groups gnomAD compares: Non-Finnish European, 0.0012%; 1 homozygote.

Submission:

CeGaT Center for Human Genetics Tuebingen
Classification: Likely benign. Last evaluated: 2026-07-01. Review status: criteria provided, single submitter. Criteria: CeGaT Center For Human Genetics Tuebingen Variant Classification Criteria Version 2. Collection method: clinical testing. Allele origin: germline. Affected: yes. Observed: 2 variant alleles.
Comment: TUBGCP2: BP4